The following is an entry in ClinVar:

ClinVar aggregate classification (germline): Uncertain significance (1 of 4 stars; one submission).

Conditions:
KBG syndrome (KBGS). Also called: ANKRD11-Related KBG Syndrome. Identifiers: Orphanet 2332, MedGen C0220687, MONDO:0007846, OMIM 148050.

Submission:

Labcorp Genetics (formerly Invitae), Labcorp
Classification: Uncertain significance for KBG syndrome. Last evaluated: 2024-08-26. Review status: criteria provided, single submitter. Criteria: Invitae Variant Classification Sherloc (09022015). Collection method: clinical testing. Allele origin: germline.
Comment: This sequence change replaces aspartic acid, which is acidic and polar, with asparagine, which is neutral and polar, at codon 2293 of the ANKRD11 protein (p.Asp2293Asn). This variant is not present in population databases (gnomAD no frequency). This variant has not been reported in the literature in individuals affected with ANKRD11-related conditions. ClinVar contains an entry for this variant (Variation ID: 2057918). Invitae Evidence Modeling of protein sequence and biophysical properties (such as structural, functional, and spatial information, amino acid conservation, physicochemical variation, residue mobility, and thermodynamic stability) indicates that this missense variant is not expected to disrupt ANKRD11 protein function with a negative predictive value of 95%. In summary, the available evidence is currently insufficient to determine the role of this variant in disease. Therefore, it has been classified as a Variant of Uncertain Significance.

NM_013275.6(ANKRD11):c.6877G>A (p.Asp2293Asn)

Gene: ANKRD11 (ankyrin repeat domain 11; minus strand). Cytogenetic location: 16q24.3.
Variant type: single nucleotide variant.
Coding change: c.6877G>A on transcript NM_013275.6 (MANE Select); coding-DNA position 6877, G replaced by A.
Protein change: p.Asp2293Asn; replaces aspartic acid 2293 with asparagine.
Molecular consequence: missense variant.
Genome position (GRCh38, 1-based): chr16:89,279,665, C>T on the plus strand (G>A on the coding strand, the complement: ANKRD11 is on the minus strand). VCF-style: chr16-89279665-C-T. GRCh37 (hg19) VCF-style: chr16-89346073-C-T.
Other names: c.6877G>A, p.Asp2293Asn (NM_001256182.2, NM_001256183.2); short protein forms D2293N.
Identifiers: ClinVar variation 2057918 (VCV002057918.4), dbSNP rs1437184783, ClinGen allele CA397149793.